The following is an entry in ClinVar:

NM_004656.4(BAP1):c.1076C>T (p.Ala359Val)

Gene: BAP1 (BRCA1 associated deubiquitinase 1; minus strand). Cytogenetic location: 3p21.1.
Variant type: single nucleotide variant.
Coding change: c.1076C>T on transcript NM_004656.4 (MANE Select); coding-DNA position 1076, C replaced by T.
Protein change: p.Ala359Val; replaces alanine 359 with valine.
Molecular consequence: missense variant.
Genome position (GRCh38, 1-based): chr3:52,405,150, G>A on the plus strand (C>T on the coding strand, the complement: BAP1 is on the minus strand). VCF-style: chr3-52405150-G-A. GRCh37 (hg19) VCF-style: chr3-52439166-G-A.
Other names: c.1022C>T, p.Ala341Val (NM_001410772.1); short protein forms A341V, A359V.
Identifiers: ClinVar variation 3224423 (VCV003224423.1), dbSNP rs2153227016, ClinGen allele CA353105487.

ClinVar aggregate classification (germline): Uncertain significance (1 of 4 stars; one submission).

Conditions:
Hereditary cancer-predisposing syndrome. Also called: Tumor predisposition; Hereditary neoplastic syndrome; Hereditary Cancer Syndrome; Neoplastic Syndromes, Hereditary. Identifiers: Orphanet 140162, MedGen C0027672, MeSH D009386, MONDO:0015356.

Submission:

Ambry Genetics
Classification: Uncertain significance for Hereditary cancer-predisposing syndrome. Last evaluated: 2023-11-15. Review status: criteria provided, single submitter. Criteria: Ambry Variant Classification Scheme 2023. Collection method: clinical testing. Allele origin: germline.
Comment: The p.A359V variant (also known as c.1076C>T), located in coding exon 11 of the BAP1 gene, results from a C to T substitution at nucleotide position 1076. The alanine at codon 359 is replaced by valine, an amino acid with similar properties. This amino acid position is conserved. In addition, the in silico prediction for this alteration is inconclusive. Since supporting evidence is limited at this time, the clinical significance of this alteration remains unclear.